The following is an entry in ClinVar:

ClinVar aggregate classification (germline): Uncertain significance. Review status: criteria provided, multiple submitters, no conflicts (2 of 4 stars). 4 submissions from 4 submitters: Uncertain significance (4). Last evaluated 2023-11-27.

Conditions:
Bardet-Biedl syndrome (BBS). Identifiers: Orphanet 110, MedGen C0752166, MONDO:0015229.
Bardet-Biedl syndrome 7 (BBS7). Identifiers: Orphanet 110, MedGen C1859565, MONDO:0014435, OMIM 615984.
Inborn genetic diseases. Identifiers: MedGen C0950123, MeSH D030342.

Allele frequency attached by ClinVar (database versions not stated): gnomAD exomes below 0.00001; TOPMed below 0.00001; gnomAD 0.00001.
gnomAD v4.1: 6 of 1,610,970 alleles (0.00037%); highest among the groups gnomAD compares: East Asian, 0.0045%; no homozygotes.

Submissions (4):

Labcorp Genetics (formerly Invitae), Labcorp
Classification: Uncertain significance for Bardet-Biedl syndrome. Last evaluated: 2023-11-27. Review status: criteria provided, single submitter. Criteria: Invitae Variant Classification Sherloc (09022015). Collection method: clinical testing. Allele origin: germline.
Comment: This sequence change replaces threonine, which is neutral and polar, with isoleucine, which is neutral and non-polar, at codon 315 of the BBS7 protein (p.Thr315Ile). This variant is not present in population databases (gnomAD no frequency). This variant has not been reported in the literature in individuals affected with BBS7-related conditions. ClinVar contains an entry for this variant (Variation ID: 1017434). Advanced modeling of protein sequence and biophysical properties (such as structural, functional, and spatial information, amino acid conservation, physicochemical variation, residue mobility, and thermodynamic stability) performed at Invitae indicates that this missense variant is not expected to disrupt BBS7 protein function with a negative predictive value of 80%. In summary, the available evidence is currently insufficient to determine the role of this variant in disease. Therefore, it has been classified as a Variant of Uncertain Significance.

Ambry Genetics
Classification: Uncertain significance for Inborn genetic diseases. Last evaluated: 2023-02-06. Review status: criteria provided, single submitter. Criteria: Ambry Variant Classification Scheme 2023. Collection method: clinical testing. Allele origin: germline.

Fulgent Genetics
Classification: Uncertain significance for Bardet-Biedl syndrome 7. Last evaluated: 2022-04-14. Review status: criteria provided, single submitter. Criteria: ACMG Guidelines, 2015. Collection method: clinical testing. Allele origin: unknown.

Blueprint Genetics
Classification: Uncertain significance. Last evaluated: 2022-01-25. Review status: criteria provided, single submitter. Criteria: ACMG Guidelines, 2015. Collection method: clinical testing. Allele origin: germline.

NM_176824.3(BBS7):c.944C>T (p.Thr315Ile)

Gene: BBS7 (Bardet-Biedl syndrome 7; minus strand). Cytogenetic location: 4q27.
Variant type: single nucleotide variant.
Coding change: c.944C>T on transcript NM_176824.3 (MANE Select); coding-DNA position 944, C replaced by T.
Protein change: p.Thr315Ile; replaces threonine 315 with isoleucine.
Molecular consequence: missense variant.
Genome position (GRCh38, 1-based): chr4:121,847,497, G>A on the plus strand (C>T on the coding strand, the complement: BBS7 is on the minus strand). VCF-style: chr4-121847497-G-A. GRCh37 (hg19) VCF-style: chr4-122768652-G-A.
Other names: c.944C>T (NM_176824.2); c.944C>T, p.Thr315Ile (NM_018190.4); short protein forms T315I.
Identifiers: ClinVar variation 1017434 (VCV001017434.9), dbSNP rs1488474028, ClinGen allele CA358063304.
Genomic context (GRCh38, chr4:121,847,497, plus strand): 5'-TTAATTTTTAGTTCTTCTCCTGGTCCACTTTCCTTATGAATGGGCTCTGTTGTCAGACCT[G>A]TAACCCAGCCTGTAGAGATGAATTACAATCACGCACCACTTAGTACTGCTAGTGTTAAAA-3'
Protein context (NP_789794.1, residues 305-325): IVVSTYSGWV[Thr315Ile]GLTTEPIHKE